The following is an entry in ClinVar:

NM_001160372.4(TRAPPC9):c.1578C>T (p.Gly526=)

Gene: TRAPPC9 (trafficking protein particle complex subunit 9; minus strand). Cytogenetic location: 8q24.3.
Variant type: single nucleotide variant.
Coding change: c.1578C>T on transcript NM_001160372.4 (MANE Select); coding-DNA position 1578, C replaced by T.
Protein change: p.Gly526=; no amino-acid change (glycine 526 retained).
Molecular consequence: synonymous variant. On other transcripts: non-coding transcript variant (1).
Genome position (GRCh38, 1-based): chr8:140,311,292, G>A on the plus strand (C>T on the coding strand, the complement: TRAPPC9 is on the minus strand). VCF-style: chr8-140311292-G-A. GRCh37 (hg19) VCF-style: chr8-141321391-G-A.
Other names: c.1434C>T, p.Gly478= (NM_001374684.1); c.1578C>T, p.Gly526= (NM_031466.8, NM_001374683.1); c.1551C>T, p.Gly517= (NM_001321646.2); c.1599C>T, p.Gly533= (NM_001374682.1).
Identifiers: ClinVar variation 3771551 (VCV003771551.13).

ClinVar aggregate classification (germline): Likely benign (1 of 4 stars; one submission).

Submission:

CeGaT Center for Human Genetics Tuebingen
Classification: Likely benign. Last evaluated: 2024-12-01. Review status: criteria provided, single submitter. Criteria: CeGaT Center For Human Genetics Tuebingen Variant Classification Criteria Version 2. Collection method: clinical testing. Allele origin: germline. Affected: yes. Observed: 1 variant allele.
Comment: TRAPPC9: PM2:Supporting, BP4, BP7